The following is an entry in ClinVar:

ClinVar aggregate classification (germline): Conflicting classifications of pathogenicity. Review status: criteria provided, conflicting classifications (1 of 4 stars). 4 submissions from 4 submitters: Uncertain significance (1); Likely benign (2). 1 of the submissions does not count toward it. Last evaluated 2026-01-29.

Conditions:
NOTCH2-related disorder. Also called: NOTCH2-related condition.
Hajdu-Cheney syndrome (HJCYS). Also called: ACROOSTEOLYSIS WITH OSTEOPOROSIS AND CHANGES IN SKULL AND MANDIBLE; Acroosteolysis dominant type; SERPENTINE FIBULA-POLYCYSTIC KIDNEY SYNDROME. Identifiers: Orphanet 955, MedGen C0917715, MONDO:0007057, OMIM 102500.

Allele frequency attached by ClinVar (database versions not stated): gnomAD exomes 0.00002 and 0.00011; gnomAD 0.00004; TOPMed 0.00004; ExAC 0.00007; 1000 Genomes Project 30x 0.00016; 1000 Genomes Project 0.00020.
gnomAD v4.1: 44 of 1,614,170 alleles (0.0027%); highest among the groups gnomAD compares: East Asian, 0.074%; no homozygotes.

Submissions (4):

Labcorp Genetics (formerly Invitae), Labcorp
Classification: Likely benign for Hajdu-Cheney syndrome. Last evaluated: 2026-01-29. Review status: criteria provided, single submitter. Criteria: Invitae Variant Classification Sherloc (09022015). Collection method: clinical testing. Allele origin: germline.

Blueprint Genetics
Classification: Likely benign. Last evaluated: 2023-11-24. Review status: criteria provided, single submitter. Criteria: ACMG Guidelines, 2015. Collection method: clinical testing. Allele origin: germline.

Eurofins Ntd Llc (ga)
Classification: Uncertain significance. Last evaluated: 2014-10-17. Review status: criteria provided, single submitter. Criteria: EGL Classification Definitions 2015. Collection method: clinical testing. Allele origin: germline. Observed: 1 variant allele, 1 heterozygote.

PreventionGenetics, part of Exact Sciences
Classification: Likely benign for NOTCH2-related condition. Last evaluated: 2022-09-23. Review status: no assertion criteria provided. Collection method: clinical testing. Allele origin: germline. Not counted in ClinVar's aggregate classification.
Comment: This variant is classified as likely benign based on ACMG/AMP sequence variant interpretation guidelines (Richards et al. 2015 PMID: 25741868, with internal and published modifications).

NM_024408.4(NOTCH2):c.4740G>A (p.Lys1580=)

Gene: NOTCH2 (notch receptor 2; minus strand). Cytogenetic location: 1p12.
Variant type: single nucleotide variant.
Coding change: c.4740G>A on transcript NM_024408.4 (MANE Select); coding-DNA position 4740, G replaced by A.
Protein change: p.Lys1580=; no amino-acid change (lysine 1580 retained).
Molecular consequence: synonymous variant.
Genome position (GRCh38, 1-based): chr1:119,923,756, C>T on the plus strand (G>A on the coding strand, the complement: NOTCH2 is on the minus strand). VCF-style: chr1-119923756-C-T. GRCh37 (hg19) VCF-style: chr1-120466379-C-T.
Identifiers: ClinVar variation 195987 (VCV000195987.16), dbSNP rs367699419, ClinGen allele CA242713.
Genomic context (GRCh38, chr1:119,923,756, plus strand): 5'-CATAGCAGCTGACTTCTCACCATAATAGGGGTACACCATGAGTTCCCCCTGGGAGTCCCG[C>T]TTAATGCGCAGGTTGGTGTGGAGCAGGGTACCCAGTGCCCGCAAGAAGCTGCGAGCATCC-3'
Protein context (NP_077719.2, residues 1570-1590): GTLLHTNLRI[Lys1580=]RDSQGELMVY